The following is an entry in ClinVar:

ClinVar aggregate classification (germline): Uncertain significance (1 of 4 stars; one submission).

Submission:

GeneDx
Classification: Uncertain significance. Last evaluated: 2025-04-08. Review status: criteria provided, single submitter. Criteria: GeneDx Variant Classification Process June 2021. Collection method: clinical testing. Allele origin: germline. Affected: yes.
Comment: Not observed at significant frequency in large population cohorts (gnomAD); In silico analysis supports that this missense variant has a deleterious effect on protein structure/function; Has not been previously published as pathogenic or benign to our knowledge

NM_001378974.1(FBXW11):c.1379T>C (p.Leu460Pro)

Gene: FBXW11 (F-box and WD repeat domain containing 11; minus strand). Cytogenetic location: 5q35.1.
Variant type: single nucleotide variant.
Coding change: c.1379T>C on transcript NM_001378974.1 (MANE Select); coding-DNA position 1379, T replaced by C.
Protein change: p.Leu460Pro; replaces leucine 460 with proline.
Molecular consequence: missense variant.
Genome position (GRCh38, 1-based): chr5:171,870,820, A>G on the plus strand (T>C on the coding strand, the complement: FBXW11 is on the minus strand). VCF-style: chr5-171870820-A-G. GRCh37 (hg19) VCF-style: chr5-171297824-A-G.
Other names: c.1310T>C, p.Leu437Pro (NM_001378975.1); c.1283T>C, p.Leu428Pro (NM_001378976.1); c.1220T>C, p.Leu407Pro (NM_001378977.1, NM_001378978.1, NM_001378979.1); c.1214T>C, p.Leu405Pro (NM_001378980.1, NM_033645.3); c.1316T>C, p.Leu439Pro (NM_012300.3); c.1277T>C, p.Leu426Pro (NM_033644.3); short protein forms L405P, L407P, L426P, L428P, L437P, L439P, L460P.
Identifiers: ClinVar variation 4281717 (VCV004281717.1).